The following is an entry in ClinVar:

ClinVar aggregate classification (germline): Uncertain significance (1 of 4 stars; one submission).

Conditions:
Chuvash polycythemia. Also called: POLYCYTHEMIA, VHL-DEPENDENT. Identifiers: Orphanet 238557, MedGen C1837915, MONDO:0009892, OMIM 263400.
Von Hippel-Lindau syndrome (VHLS). Also called: von Hippel–Lindau syndrome; Von Hippel-Lindau; VHL syndrome. Identifiers: Orphanet 892, MedGen C0019562, MONDO:0008667, OMIM 193300. Disease mechanism: loss of function.

Submission:

Labcorp Genetics (formerly Invitae), Labcorp
Classification: Uncertain significance for Von Hippel-Lindau syndrome; Chuvash polycythemia. Last evaluated: 2023-08-16. Review status: criteria provided, single submitter. Criteria: Invitae Variant Classification Sherloc (09022015). Collection method: clinical testing. Allele origin: germline.
Comment: This sequence change falls in intron 1 of the VHL gene. It is not expected to change the encoded amino acid sequence of the VHL protein. However, this sequence change falls within a cryptic exon in the VHL gene, known as exon E1‚Äô, which is naturally expressed at low levels in several human tissues (PMID: 29891534). This variant is not present in population databases (gnomAD no frequency). This variant has not been reported in the literature in individuals affected with VHL-related conditions. ClinVar contains an entry for this variant (Variation ID: 1433972). Algorithms developed to predict the effect of sequence changes on RNA splicing suggest that this variant is not likely to affect RNA splicing. In summary, the available evidence is currently insufficient to determine the role of this variant in disease. Therefore, it has been classified as a Variant of Uncertain Significance.

Literature cited by the submitters: PubMed 29891534.

NM_000551.4(VHL):c.340+777A>G

Genes: VHL (von Hippel-Lindau tumor suppressor; plus strand), LOC107303340 (3p25 von Hippel-Lindau tumor suppressor, E3 ubiquitin protein ligase Alu-mediated recombination region; plus strand). Cytogenetic location: 3p25.3.
Variant type: single nucleotide variant.
Coding change: c.340+777A>G on transcript NM_000551.4 (MANE Select); 777 bases into the intron after coding-DNA position 340, A replaced by G.
Molecular consequence: intron variant. On other transcripts: missense variant (1).
Genome position (GRCh38, 1-based): chr3:10,142,964, A>G. VCF-style: chr3-10142964-A-G. GRCh37 (hg19) VCF-style: chr3-10184648-A-G.
Other names: c.542A>G, p.Lys181Arg (NM_001354723.2); c.340+777A>G (NM_198156.3); short protein forms K181R.
Identifiers: ClinVar variation 1433972 (VCV001433972.4), dbSNP rs2125126081, ClinGen allele CA2573136136.